The following is an entry in ClinVar:

NM_001113378.2(FANCI):c.911A>G (p.Asn304Ser)

Gene: FANCI (FA complementation group I; plus strand). Cytogenetic location: 15q26.1.
Variant type: single nucleotide variant.
Coding change: c.911A>G on transcript NM_001113378.2 (MANE Select); coding-DNA position 911, A replaced by G.
Protein change: p.Asn304Ser; replaces asparagine 304 with serine.
Molecular consequence: missense variant.
Genome position (GRCh38, 1-based): chr15:89,273,405, A>G. VCF-style: chr15-89273405-A-G. GRCh37 (hg19) VCF-style: chr15-89816636-A-G.
Other names: c.632A>G, p.Asn211Ser (NM_001376910.1); c.911A>G, p.Asn304Ser (NM_001376911.1, NM_018193.3); short protein forms N304S, N211S.
Identifiers: ClinVar variation 848286 (VCV000848286.9), dbSNP rs2053277912, ClinGen allele CA393741342.
Genomic context (GRCh38, chr15:89,273,405, plus strand): 5'-TAAATGACTTCCTTTTGGTTGCTCTCTTCTAGGTAGGACAGCAAGGAGATTCCAATAATA[A>G]CTTAAGTCCCTTCAGCATTGCTCTTCTTCTGTCTGTAACAAGAATACAAAGATTTCAGGA-3'
Protein context (NP_001106849.1, residues 294-314): KVGQQGDSNN[Asn304Ser]LSPFSIALLL

ClinVar aggregate classification (germline): Uncertain significance (1 of 4 stars; one submission).

Conditions:
Fanconi anemia (FA). Also called: Fanconi's anemia. Identifiers: Orphanet 84, MedGen C0015625, MeSH D005199, MONDO:0019391.

Submission:

Labcorp Genetics (formerly Invitae), Labcorp
Classification: Uncertain significance for Fanconi anemia. Last evaluated: 2019-11-19. Review status: criteria provided, single submitter. Criteria: Invitae Variant Classification Sherloc (09022015). Collection method: clinical testing. Allele origin: germline.
Comment: This sequence change replaces asparagine with serine at codon 304 of the FANCI protein (p.Asn304Ser). The asparagine residue is weakly conserved and there is a small physicochemical difference between asparagine and serine. This variant is not present in population databases (ExAC no frequency). This variant has not been reported in the literature in individuals with FANCI-related conditions. Algorithms developed to predict the effect of missense changes on protein structure and function output the following: SIFT: "Tolerated"; PolyPhen-2: "Benign"; Align-GVGD: "Class C0". The serine amino acid residue is found in multiple mammalian species, suggesting that this missense change does not adversely affect protein function. These predictions have not been confirmed by published functional studies and their clinical significance is uncertain. In summary, the available evidence is currently insufficient to determine the role of this variant in disease. Therefore, it has been classified as a Variant of Uncertain Significance.